The following is an entry in ClinVar:

GRCh37/hg19 12q24.31-24.33(chr12:121551496-133777902)x3

Genes: HCAR3 (hydroxycarboxylic acid receptor 3; minus strand), KDM2B (lysine demethylase 2B; minus strand), KMT5A (lysine methyltransferase 5A; plus strand), HIP1R (huntingtin interacting protein 1 related; plus strand), KNTC1 (kinetochore associated 1; plus strand) and 90 more. Cytogenetic location: 12q24.31-24.33.
Variant type: copy number gain.
Change: copy number 3 (three copies instead of two) of chr12:121,551,496-133,777,902 (12.23 Mb, GRCh37 coordinates, 1-based), cytogenetic band 12q24.31-24.33.
Identifiers: ClinVar variation 2684685 (VCV002684685.1).

ClinVar aggregate classification (germline): Pathogenic (1 of 4 stars; one submission).

Submission:

Quest Diagnostics Nichols Institute San Juan Capistrano
Classification: Pathogenic. Last evaluated: 2023-01-18. Review status: criteria provided, single submitter. Criteria: ACMG/ClinGen CNV Guidelines, 2019. Collection method: clinical testing. Allele origin: unknown.
Comment: The copy number gain of 12q24.31q24.33 falls within the larger 12q duplication region and has been reported in many patients with neurodevelopmental and skeletal phenotypes (Tajara 1985, Rodriguez 2002, Ireland 2004, Bao 2005, Chen 2006, Joaquim 2020). There are no similar copy number gains of this region in the general populations of the Database of Genomic Variants. Thus, based on current medical literature and gene content, this copy number variant (CNV) is interpreted as pathogenic._x000D__x000D_ References:_x000D__x000D_ Bao et al., Am J Med Genet A. 2005 Nov 1;138(4):361-4. PMID: 16222678_x000D__x000D_ Chen et al., Prenat Diagn. 2006 Apr;26(4):313-20. PMID: 16506269_x000D__x000D_ Ireland et al., Am J Med Genet A. 2004 Jul 30;128A(3):305-10. PMID: 15216553_x000D__x000D_ Joaquim et al., Mol Syndromol. 2020 Jan;10(5):264-271. PMID: 32021597_x000D__x000D_ Rodriguez et al., Am J Med Genet A. 2003 Oct 1;122A(2):119-24. PMID: 12955763_x000D__x000D_ Tajara et al., J Med Genet. 1985 Feb;22(1):73-6. PMID: 3981585